The following is an entry in ClinVar:

ClinVar aggregate classification (germline): Conflicting classifications of pathogenicity. Review status: criteria provided, conflicting classifications (1 of 4 stars). 4 submissions from 4 submitters: Uncertain significance (1); Likely benign (2). 1 of the submissions does not count toward it. Last evaluated 2025-12-29.

Conditions:
Sotos syndrome (SOTOS). Also called: Distinctive facial appearance, overgrowth in childhood, and learning disabilities or delayed development; CEREBRAL GIGANTISM; Sotos' syndrome; CHROMOSOME 5q35 DELETION SYNDROME; SOTOS SYNDROME 1. Identifiers: Orphanet 821, MedGen C0175695, MONDO:0019349, OMIM 117550.
NSD1-related disorder. Also called: NSD1-related condition.

Allele frequency attached by ClinVar (database versions not stated): gnomAD 0.00018 and 0.00019; gnomAD exomes 0.00005 and 0.00002; ExAC 0.00008; 1000 Genomes Project 30x 0.00016; TOPMed 0.00018; 1000 Genomes Project 0.00020.
gnomAD v4.1: 50 of 1,614,084 alleles (0.0031%); highest among the groups gnomAD compares: African/African-American, 0.056%; no homozygotes.

Submissions (4):

Labcorp Genetics (formerly Invitae), Labcorp
Classification: Likely benign. Last evaluated: 2025-12-29. Review status: criteria provided, single submitter. Criteria: Invitae Variant Classification Sherloc (09022015). Collection method: clinical testing. Allele origin: germline.

Genome-Nilou Lab
Classification: Likely benign for Sotos syndrome. Last evaluated: 2021-07-15. Review status: criteria provided, single submitter. Criteria: ACMG Guidelines, 2015. Collection method: clinical testing. Allele origin: germline. Affected: no.

Eurofins Ntd Llc (ga)
Classification: Uncertain significance. Last evaluated: 2017-05-03. Review status: criteria provided, single submitter. Criteria: EGL Classification Definitions 2015. Collection method: clinical testing. Allele origin: germline. Observed: 1 variant allele, 1 heterozygote.

PreventionGenetics, part of Exact Sciences
Classification: Likely benign for NSD1-related condition. Last evaluated: 2023-07-28. Review status: no assertion criteria provided. Collection method: clinical testing. Allele origin: germline. Not counted in ClinVar's aggregate classification.
Comment: This variant is classified as likely benign based on ACMG/AMP sequence variant interpretation guidelines (Richards et al. 2015 PMID: 25741868, with internal and published modifications).

NM_022455.5(NSD1):c.6464-5T>C

Gene: NSD1 (nuclear receptor binding SET domain protein 1; plus strand). Cytogenetic location: 5q35.3.
Variant type: single nucleotide variant.
Coding change: c.6464-5T>C on transcript NM_022455.5 (MANE Select); 5 bases into the intron before coding-DNA position 6464, T replaced by C.
Molecular consequence: intron variant.
Genome position (GRCh38, 1-based): chr5:177,293,827, T>C. VCF-style: chr5-177293827-T-C. GRCh37 (hg19) VCF-style: chr5-176720828-T-C.
Other names: c.6464-5T>C (NM_001409301.1, NM_001409302.1, NM_001409303.1); c.6044-5T>C (NM_001409304.1); c.5711-5T>C (NM_001409305.1); c.5702-5T>C (NM_001409306.1, NM_001409307.1); c.5591-5T>C (NM_001409308.1, NM_172349.5, NM_001365684.2); c.5342-5T>C (NM_001409309.1).
Identifiers: ClinVar variation 501387 (VCV000501387.18), dbSNP rs545039997, ClinGen allele CA3578018.